The following is an entry in ClinVar:

ClinVar aggregate classification (germline): Uncertain significance (1 of 4 stars; one submission).

gnomAD v4.1: 2 of 1,614,034 alleles (0.00012%); highest among the groups gnomAD compares: South Asian, 0.0011%; no homozygotes.

Submission:

Labcorp Genetics (formerly Invitae), Labcorp
Classification: Uncertain significance. Last evaluated: 2024-07-01. Review status: criteria provided, single submitter. Criteria: Invitae Variant Classification Sherloc (09022015). Collection method: clinical testing. Allele origin: germline.
Comment: This sequence change creates a premature translational stop signal (p.Arg620*) in the SCN3A gene. It is expected to result in an absent or disrupted protein product. However, the current clinical and genetic evidence is not sufficient to establish whether loss-of-function variants in SCN3A cause disease. This variant is not present in population databases (gnomAD no frequency). This variant has not been reported in the literature in individuals affected with SCN3A-related conditions. ClinVar contains an entry for this variant (Variation ID: 649763). In summary, the available evidence is currently insufficient to determine the role of this variant in disease. Therefore, it has been classified as a Variant of Uncertain Significance.

NM_006922.4(SCN3A):c.1858C>T (p.Arg620Ter)

Gene: SCN3A (sodium voltage-gated channel alpha subunit 3; minus strand). Cytogenetic location: 2q24.3.
Variant type: single nucleotide variant.
Coding change: c.1858C>T on transcript NM_006922.4 (MANE Select); coding-DNA position 1858, C replaced by T.
Protein change: p.Arg620Ter; replaces arginine 620 with a stop codon.
Molecular consequence: nonsense.
Genome position (GRCh38, 1-based): chr2:165,140,812, G>A on the plus strand (C>T on the coding strand, the complement: SCN3A is on the minus strand). VCF-style: chr2-165140812-G-A. GRCh37 (hg19) VCF-style: chr2-165997322-G-A.
Other names: c.1858C>T, p.Arg620Ter (NM_001081676.2, NM_001081677.2); short protein forms R620*.
Identifiers: ClinVar variation 649763 (VCV000649763.6), dbSNP rs1288869563, ClinGen allele CA349046508.